The following is an entry in ClinVar:

NM_006379.5(SEMA3C):c.1358G>A (p.Arg453Gln)

Gene: SEMA3C (semaphorin 3C; minus strand). Cytogenetic location: 7q21.11.
Variant type: single nucleotide variant.
Coding change: c.1358G>A on transcript NM_006379.5 (MANE Select); coding-DNA position 1358, G replaced by A.
Protein change: p.Arg453Gln; replaces arginine 453 with glutamine.
Molecular consequence: missense variant.
Genome position (GRCh38, 1-based): chr7:80,765,240, C>T on the plus strand (G>A on the coding strand, the complement: SEMA3C is on the minus strand). VCF-style: chr7-80765240-C-T. GRCh37 (hg19) VCF-style: chr7-80394556-C-T.
Other names: c.1412G>A, p.Arg471Gln (NM_001350120.2); c.1184G>A, p.Arg395Gln (NM_001350121.2); short protein forms R395Q, R453Q, R471Q.
Identifiers: ClinVar variation 3358671 (VCV003358671.2).
Genomic context (GRCh38, chr7:80,765,240, plus strand): 5'-ATGAGCTCGCCACTGACAGAGTTGTTAGTAGGAAGAACAACCACTTTTTGCACAGTACCC[C>T]GATCTAAATTAAAAAAAGAAGAAATGAGATGTTACAATACTTTTTAAAAGAAAGCTATTT-3'
Protein context (NP_006370.1, residues 443-463): RYHVLFLGTD[Arg453Gln]GTVQKVVVLP

ClinVar aggregate classification (germline): Uncertain significance (1 of 4 stars; one submission).

Conditions:
SEMA3C-related disorder. Also called: SEMA3C-related condition.

gnomAD v4.1: 66 of 1,607,702 alleles (0.0041%); highest among the groups gnomAD compares: South Asian, 0.0055%; no homozygotes.

Submission:

PreventionGenetics, part of Exact Sciences
Classification: Uncertain significance for SEMA3C-related condition. Last evaluated: 2026-07-20. Review status: criteria provided, single submitter. Criteria: ACMG Guidelines, 2015. Collection method: clinical testing. Allele origin: germline.
Comment: The SEMA3C c.1412G>A variant is predicted to result in the amino acid substitution p.Arg471Gln. To our knowledge, this variant has not been reported in the literature. This variant is reported in 0.010% of alleles in individuals of South Asian descent in gnomAD. At this time, the clinical significance of this variant is uncertain due to the absence of conclusive functional and genetic evidence.